The following is an entry in ClinVar:

ClinVar aggregate classification (germline): Conflicting classifications of pathogenicity. Review status: criteria provided, conflicting classifications (1 of 4 stars). 3 submissions from 3 submitters: Uncertain significance (1); Likely benign (2). Last evaluated 2025-12-04.

Conditions:
Developmental and epileptic encephalopathy, 11 (DEE11). Also called: Early infantile epileptic encephalopathy 11. Identifiers: Orphanet 1934, MedGen C3150987, MONDO:0013388, OMIM 613721.
Seizures, benign familial infantile, 3 (BFIS3). Also called: Familial neonatal seizures; CONVULSIONS, BENIGN FAMILIAL INFANTILE, 3. Identifiers: Orphanet 140927, Orphanet 306, MedGen C1843140, MONDO:0011904, OMIM 607745.

Allele frequency attached by ClinVar (database versions not stated): gnomAD exomes below 0.00001 and 0.00001; gnomAD 0.00001; TOPMed 0.00001.
gnomAD v4.1: 5 of 1,612,188 alleles (0.00031%); highest among the groups gnomAD compares: Admixed American, 0.005%; no homozygotes.

Submissions (3):

Mayo Clinic Laboratories, Mayo Clinic
Classification: Likely benign. Last evaluated: 2025-12-04. Review status: criteria provided, single submitter. Criteria: ACMG Guidelines, 2015. Collection method: clinical testing. Allele origin: germline. Observed: 1 variant allele.
Comment: BP4, BP7

Labcorp Genetics (formerly Invitae), Labcorp
Classification: Likely benign for Seizures, benign familial infantile, 3; Developmental and epileptic encephalopathy, 11. Last evaluated: 2025-03-25. Review status: criteria provided, single submitter. Criteria: Invitae Variant Classification Sherloc (09022015). Collection method: clinical testing. Allele origin: germline.

GeneDx
Classification: Uncertain significance. Last evaluated: 2023-03-27. Review status: criteria provided, single submitter. Criteria: GeneDx Variant Classification Process June 2021. Collection method: clinical testing. Allele origin: germline. Affected: yes.
Comment: Not observed at significant frequency in large population cohorts (gnomAD); In silico analysis supports that this variant does not alter splicing; Has not been previously published as pathogenic or benign to our knowledge

NM_001040142.2(SCN2A):c.3400-7T>C

Gene: SCN2A (sodium voltage-gated channel alpha subunit 2; plus strand). Cytogenetic location: 2q24.3.
Variant type: single nucleotide variant.
Coding change: c.3400-7T>C on transcript NM_001040142.2 (MANE Select); 7 bases into the intron before coding-DNA position 3400, T replaced by C.
Molecular consequence: intron variant.
Genome position (GRCh38, 1-based): chr2:165,365,136, T>C. VCF-style: chr2-165365136-T-C. GRCh37 (hg19) VCF-style: chr2-166221646-T-C.
Other names: p.?; c.3400-7T>C (NM_001040143.2, NM_001371246.1, NM_001371247.1 and 1 more transcripts).
Identifiers: ClinVar variation 1091660 (VCV001091660.12), dbSNP rs1469952990, ClinGen allele CA537120004.